The following is an entry in ClinVar:

ClinVar aggregate classification (germline): Uncertain significance (1 of 4 stars; one submission).

Conditions:
Hereditary cancer-predisposing syndrome. Also called: Neoplastic Syndromes, Hereditary; Tumor predisposition; Hereditary Cancer Syndrome; Hereditary neoplastic syndrome. Identifiers: Orphanet 140162, MedGen C0027672, MeSH D009386, MONDO:0015356.

Submission:

Ambry Genetics
Classification: Uncertain significance for Hereditary cancer-predisposing syndrome. Last evaluated: 2022-10-19. Review status: criteria provided, single submitter. Criteria: Ambry Variant Classification Scheme 2023. Collection method: clinical testing. Allele origin: germline.
Comment: The p.N130S variant (also known as c.389A>G), located in coding exon 5 of the SDHC gene, results from an A to G substitution at nucleotide position 389. The asparagine at codon 130 is replaced by serine, an amino acid with highly similar properties. This amino acid position is conserved. In addition, the in silico prediction for this alteration is inconclusive. Since supporting evidence is limited at this time, the clinical significance of this alteration remains unclear.

NM_003001.5(SDHC):c.389A>G (p.Asn130Ser)

Gene: SDHC (succinate dehydrogenase complex subunit C; plus strand). Cytogenetic location: 1q23.3.
Variant type: single nucleotide variant.
Coding change: c.389A>G on transcript NM_003001.5 (MANE Select); coding-DNA position 389, A replaced by G.
Protein change: p.Asn130Ser; replaces asparagine 130 with serine.
Molecular consequence: missense variant. On other transcripts: non-coding transcript variant (1), intron variant (3).
Genome position (GRCh38, 1-based): chr1:161,356,824, A>G. VCF-style: chr1-161356824-A-G. GRCh37 (hg19) VCF-style: chr1-161326614-A-G.
Other names: c.287A>G, p.Asn96Ser (NM_001035512.3); c.230A>G, p.Asn77Ser (NM_001035513.3); c.509A>G, p.Asn170Ser (NM_001407115.1); c.332A>G, p.Asn111Ser (NM_001407116.1); c.326A>G, p.Asn109Ser (NM_001407117.1); c.281A>G, p.Asn94Ser (NM_001407118.1); c.278A>G, p.Asn93Ser (NM_001407119.1, NM_001407120.1); c.242-5505A>G (NM_001035511.3); and 2 more; short protein forms N93S, N96S, N111S, N130S, N77S, N109S, N170S, N94S.
Identifiers: ClinVar variation 1735970 (VCV001735970.2), dbSNP rs2526538056, ClinGen allele CA343456722.